The following is an entry in ClinVar:

NM_007363.5(NONO):c.70C>T (p.His24Tyr)

Gene: NONO (non-POU domain containing octamer binding; plus strand). Cytogenetic location: Xq13.1.
Variant type: single nucleotide variant.
Coding change: c.70C>T on transcript NM_007363.5 (MANE Select); coding-DNA position 70, C replaced by T.
Protein change: p.His24Tyr; replaces histidine 24 with tyrosine.
Molecular consequence: missense variant. On other transcripts: intron variant (1).
Genome position (GRCh38, 1-based): chrX:71,290,707, C>T. VCF-style: chrX-71290707-C-T. GRCh37 (hg19) VCF-style: chrX-70510557-C-T.
Other names: c.70C>T, p.His24Tyr (NM_001145408.2, NM_001145409.2); c.-113-1072C>T (NM_001145410.2); short protein forms H24Y.
Identifiers: ClinVar variation 4992783 (VCV004992783.1).

ClinVar aggregate classification (germline): Uncertain significance (1 of 4 stars; one submission).

Conditions:
NONO-related disorder. Also called: NONO-related condition.

Submission:

PreventionGenetics, part of Exact Sciences
Classification: Uncertain significance for NONO-related condition. Last evaluated: 2025-10-22. Review status: criteria provided, single submitter. Criteria: ACMG Guidelines, 2015. Collection method: clinical testing. Allele origin: germline.
Comment: The NONO c.70C>T variant is predicted to result in the amino acid substitution p.His24Tyr. To our knowledge, this variant has not been reported in the literature or in a large population database (gnomAD), indicating this variant is rare. At this time, the clinical significance of this variant is uncertain due to the absence of conclusive functional and genetic evidence.